The following is an entry in ClinVar:

ClinVar aggregate classification (germline): Uncertain significance. Review status: criteria provided, multiple submitters, no conflicts (2 of 4 stars). 2 submissions from 2 submitters: Uncertain significance (2). Last evaluated 2026-01-11.

Conditions:
Familial adenomatous polyposis 1 (FAP1). Also called: FAMILIAL ADENOMATOUS POLYPOSIS 1, ATTENUATED; POLYPOSIS, ADENOMATOUS INTESTINAL. Identifiers: MedGen C2713442, MONDO:0021056, OMIM 175100. Disease mechanism: loss of function.

Allele frequency attached by ClinVar (database versions not stated): gnomAD 0.00001; TOPMed 0.00001; gnomAD exomes 0.00001.

Submissions (2):

Labcorp Genetics (formerly Invitae), Labcorp
Classification: Uncertain significance for Familial adenomatous polyposis 1. Last evaluated: 2026-01-11. Review status: criteria provided, single submitter. Criteria: Invitae Variant Classification Sherloc (09022015). Collection method: clinical testing. Allele origin: germline.
Comment: This variant occurs in a non-coding region of the APC gene. It does not change the encoded amino acid sequence of the APC protein. This variant is not present in population databases (gnomAD no frequency). This variant has not been reported in the literature in individuals affected with APC-related conditions. ClinVar contains an entry for this variant (Variation ID: 537633). Experimental studies and prediction algorithms are not available or were not evaluated, and the functional significance of this variant is currently unknown. In summary, the available evidence is currently insufficient to determine the role of this variant in disease. Therefore, it has been classified as a Variant of Uncertain Significance.

Blueprint Genetics
Classification: Uncertain significance. Last evaluated: 2022-09-14. Review status: criteria provided, single submitter. Criteria: ACMG Guidelines, 2015. Collection method: clinical testing. Allele origin: germline.

NC_000005.10:g.112707444T>C

Gene: APC (APC regulator of Wnt signaling pathway; plus strand). Cytogenetic location: 5q22.2.
Variant type: single nucleotide variant.
Genome position: GRCh38 VCF-style: chr5-112707444-T-C. GRCh37 (hg19) VCF-style: chr5-112043141-T-C.
Identifiers: ClinVar variation 537633 (VCV000537633.9), dbSNP rs1213502095, ClinGen allele CA658796597.